The following is an entry in ClinVar:

ClinVar aggregate classification (germline): Uncertain significance. Review status: criteria provided, multiple submitters, no conflicts (2 of 4 stars). 2 submissions from 2 submitters: Uncertain significance (2). Last evaluated 2025-08-08.

Conditions:
Inborn genetic diseases. Identifiers: MedGen C0950123, MeSH D030342.
Hereditary spastic paraplegia 39 (SPG39). Also called: SPASTIC PARAPLEGIA 39, AUTOSOMAL RECESSIVE; Spastic Paraplegia Type 39 (SPG39). Identifiers: Orphanet 139480, MedGen C2677586, MONDO:0012787, OMIM 612020.

Allele frequency attached by ClinVar (database versions not stated): gnomAD exomes below 0.00001.
gnomAD v4.1: 2 of 1,613,768 alleles (0.00012%); highest among the groups gnomAD compares: East Asian, 0.0022%; no homozygotes.

Submissions (2):

Ambry Genetics
Classification: Uncertain significance for Inborn genetic diseases. Last evaluated: 2025-08-08. Review status: criteria provided, single submitter. Criteria: Ambry Variant Classification Scheme 2023. Collection method: clinical testing. Allele origin: germline.

Labcorp Genetics (formerly Invitae), Labcorp
Classification: Uncertain significance for Hereditary spastic paraplegia 39. Last evaluated: 2021-08-11. Review status: criteria provided, single submitter. Criteria: Invitae Variant Classification Sherloc (09022015). Collection method: clinical testing. Allele origin: germline.
Comment: In summary, the available evidence is currently insufficient to determine the role of this variant in disease. Therefore, it has been classified as a Variant of Uncertain Significance. Algorithms developed to predict the effect of missense changes on protein structure and function are either unavailable or do not agree on the potential impact of this missense change (SIFT: "Tolerated"; PolyPhen-2: "Possibly Damaging"; Align-GVGD: "Class C0"). This variant has not been reported in the literature in individuals affected with PNPLA6-related conditions. This variant is not present in population databases (ExAC no frequency). This sequence change replaces alanine with threonine at codon 781 of the PNPLA6 protein (p.Ala781Thr). The alanine residue is highly conserved and there is a small physicochemical difference between alanine and threonine.

NM_001166114.2(PNPLA6):c.2455G>A (p.Ala819Thr)

Gene: PNPLA6 (patatin like domain 6, lysophospholipase; plus strand). Cytogenetic location: 19p13.2.
Variant type: single nucleotide variant.
Coding change: c.2455G>A on transcript NM_001166114.2 (MANE Select); coding-DNA position 2455, G replaced by A.
Protein change: p.Ala819Thr; replaces alanine 819 with threonine.
Molecular consequence: missense variant.
Genome position (GRCh38, 1-based): chr19:7,554,262, G>A. VCF-style: chr19-7554262-G-A. GRCh37 (hg19) VCF-style: chr19-7619148-G-A.
Other names: c.2485G>A, p.Ala829Thr (NM_001166111.2); c.2260G>A, p.Ala754Thr (NM_001166112.2); c.2341G>A, p.Ala781Thr (NM_001166113.1, NM_006702.5); c.2341G>A (NM_006702.4); short protein forms A819T, A829T, A754T, A781T.
Identifiers: ClinVar variation 1494696 (VCV001494696.6), dbSNP rs2146100619, ClinGen allele CA403127422.